The following is an entry in ClinVar:

NM_005477.3(HCN4):c.3166C>A (p.Pro1056Thr)

Gene: HCN4 (hyperpolarization activated cyclic nucleotide gated potassium channel 4; minus strand). Cytogenetic location: 15q24.1.
Variant type: single nucleotide variant.
Coding change: c.3166C>A on transcript NM_005477.3 (MANE Select); coding-DNA position 3166, C replaced by A.
Protein change: p.Pro1056Thr; replaces proline 1056 with threonine.
Molecular consequence: missense variant.
Genome position (GRCh38, 1-based): chr15:73,322,927, G>T on the plus strand (C>A on the coding strand, the complement: HCN4 is on the minus strand). VCF-style: chr15-73322927-G-T. GRCh37 (hg19) VCF-style: chr15-73615268-G-T.
Other names: short protein forms P1056T.
Identifiers: ClinVar variation 1055088 (VCV001055088.12), dbSNP rs1022382647, ClinGen allele CA272663675.

ClinVar aggregate classification (germline): Uncertain significance. Review status: criteria provided, multiple submitters, no conflicts (2 of 4 stars). 2 submissions from 2 submitters: Uncertain significance (2). Last evaluated 2025-12-13.

Conditions:
Cardiovascular phenotype. Identifiers: MedGen CN230736.
Brugada syndrome 8 (BRGDA8). Identifiers: Orphanet 130, MedGen C2751083, MONDO:0013148, OMIM 613123.

Allele frequency attached by ClinVar (database versions not stated): gnomAD 0.00001; gnomAD exomes 0.00001.

Submissions (2):

Labcorp Genetics (formerly Invitae), Labcorp
Classification: Uncertain significance for Brugada syndrome 8. Last evaluated: 2025-12-13. Review status: criteria provided, single submitter. Criteria: Invitae Variant Classification Sherloc (09022015). Collection method: clinical testing. Allele origin: germline.
Comment: This sequence change replaces proline, which is neutral and non-polar, with threonine, which is neutral and polar, at codon 1056 of the HCN4 protein (p.Pro1056Thr). The frequency data for this variant in the population databases is considered unreliable, as metrics indicate poor data quality at this position in the gnomAD database. This variant has not been reported in the literature in individuals affected with HCN4-related conditions. ClinVar contains an entry for this variant (Variation ID: 1055088). Invitae Evidence Modeling of protein sequence and biophysical properties (such as structural, functional, and spatial information, amino acid conservation, physicochemical variation, residue mobility, and thermodynamic stability) indicates that this missense variant is not expected to disrupt HCN4 protein function with a negative predictive value of 95%. In summary, the available evidence is currently insufficient to determine the role of this variant in disease. Therefore, it has been classified as a Variant of Uncertain Significance.

Ambry Genetics
Classification: Uncertain significance for Cardiovascular phenotype. Last evaluated: 2025-05-05. Review status: criteria provided, single submitter. Criteria: Ambry Variant Classification Scheme 2023. Collection method: clinical testing. Allele origin: germline.